The following is an entry in ClinVar:

NM_017433.5(MYO3A):c.1147A>G (p.Ser383Gly)

Gene: MYO3A (myosin IIIA; plus strand). Cytogenetic location: 10p12.1.
Variant type: single nucleotide variant.
Coding change: c.1147A>G on transcript NM_017433.5 (MANE Select); coding-DNA position 1147, A replaced by G.
Protein change: p.Ser383Gly; replaces serine 383 with glycine.
Molecular consequence: missense variant.
Genome position (GRCh38, 1-based): chr10:26,068,861, A>G. VCF-style: chr10-26068861-A-G. GRCh37 (hg19) VCF-style: chr10-26357790-A-G.
Other names: short protein forms S383G.
Identifiers: ClinVar variation 3618017 (VCV003618017.2).

ClinVar aggregate classification (germline): Uncertain significance (1 of 4 stars; one submission).

gnomAD v4.1: 3 of 1,589,872 alleles (0.00019%); highest among the groups gnomAD compares: Non-Finnish European, 0.00026%; no homozygotes.

Submission:

Labcorp Genetics (formerly Invitae), Labcorp
Classification: Uncertain significance. Last evaluated: 2024-11-15. Review status: criteria provided, single submitter. Criteria: Invitae Variant Classification Sherloc (09022015). Collection method: clinical testing. Allele origin: germline.
Comment: This sequence change replaces serine, which is neutral and polar, with glycine, which is neutral and non-polar, at codon 383 of the MYO3A protein (p.Ser383Gly). This variant is not present in population databases (gnomAD no frequency). This variant has not been reported in the literature in individuals affected with MYO3A-related conditions. Invitae Evidence Modeling of protein sequence and biophysical properties (such as structural, functional, and spatial information, amino acid conservation, physicochemical variation, residue mobility, and thermodynamic stability) indicates that this missense variant is not expected to disrupt MYO3A protein function with a negative predictive value of 80%. In summary, the available evidence is currently insufficient to determine the role of this variant in disease. Therefore, it has been classified as a Variant of Uncertain Significance.